The following is an entry in ClinVar:

NM_002875.5(RAD51):c.577C>T (p.Arg193Ter)

Gene: RAD51 (RAD51 recombinase; plus strand). Cytogenetic location: 15q15.1.
Variant type: single nucleotide variant.
Coding change: c.577C>T on transcript NM_002875.5 (MANE Select); coding-DNA position 577, C replaced by T.
Protein change: p.Arg193Ter; replaces arginine 193 with a stop codon.
Molecular consequence: nonsense.
Genome position (GRCh38, 1-based): chr15:40,728,757, C>T. VCF-style: chr15-40728757-C-T. GRCh37 (hg19) VCF-style: chr15-41020955-C-T.
Other names: c.580C>T, p.Arg194Ter (NM_001164269.2, NM_133487.4); c.577C>T, p.Arg193Ter (NM_001164270.2); short protein forms R193*, R194*.
Identifiers: ClinVar variation 4768921 (VCV004768921.1).

ClinVar aggregate classification (germline): Uncertain significance (1 of 4 stars; one submission).

Submission:

Labcorp Genetics (formerly Invitae), Labcorp
Classification: Uncertain significance. Last evaluated: 2025-12-29. Review status: criteria provided, single submitter. Criteria: Invitae Variant Classification Sherloc (09022015). Collection method: clinical testing. Allele origin: germline.
Comment: This sequence change creates a premature translational stop signal (p.Arg193*) in the RAD51 gene. It is expected to result in an absent or disrupted protein product. However, the current clinical and genetic evidence is not sufficient to establish whether loss-of-function variants in RAD51 cause disease. This variant is not present in population databases (gnomAD no frequency). This variant has not been reported in the literature in individuals affected with RAD51-related conditions. In summary, the available evidence is currently insufficient to determine the role of this variant in disease. Therefore, it has been classified as a Variant of Uncertain Significance.